The following is an entry in ClinVar:

ClinVar aggregate classification (germline): Uncertain significance (1 of 4 stars; one submission).

Allele frequency attached by ClinVar (database versions not stated): TOPMed 0.00001; gnomAD 0.00003; gnomAD exomes 0.00003.
gnomAD v4.1: 50 of 1,614,074 alleles (0.0031%); highest among the groups gnomAD compares: Non-Finnish European, 0.0042%; no homozygotes.

Submission:

Labcorp Genetics (formerly Invitae), Labcorp
Classification: Uncertain significance. Last evaluated: 2023-05-21. Review status: criteria provided, single submitter. Criteria: Invitae Variant Classification Sherloc (09022015). Collection method: clinical testing. Allele origin: germline.
Comment: In summary, the available evidence is currently insufficient to determine the role of this variant in disease. Therefore, it has been classified as a Variant of Uncertain Significance. Advanced modeling of protein sequence and biophysical properties (such as structural, functional, and spatial information, amino acid conservation, physicochemical variation, residue mobility, and thermodynamic stability) performed at Invitae indicates that this missense variant is not expected to disrupt FAT2 protein function. This variant has not been reported in the literature in individuals affected with FAT2-related conditions. This variant is present in population databases (no rsID available, gnomAD 0.002%). This sequence change replaces lysine, which is basic and polar, with isoleucine, which is neutral and non-polar, at codon 2129 of the FAT2 protein (p.Lys2129Ile).

NM_001447.3(FAT2):c.6386A>T (p.Lys2129Ile)

Genes: FAT2 (FAT atypical cadherin 2; minus strand), SLC36A1 (solute carrier family 36 member 1; plus strand). Cytogenetic location: 5q33.1.
Variant type: single nucleotide variant.
Coding change: c.6386A>T on transcript NM_001447.3 (MANE Select); coding-DNA position 6386, A replaced by T.
Protein change: p.Lys2129Ile; replaces lysine 2129 with isoleucine.
Molecular consequence: missense variant.
Genome position (GRCh38, 1-based): chr5:151,544,741, T>A on the plus strand (A>T on the coding strand, the complement: FAT2 is on the minus strand). VCF-style: chr5-151544741-T-A. GRCh37 (hg19) VCF-style: chr5-150924302-T-A.
Other names: short protein forms K2129I.
Identifiers: ClinVar variation 2962155 (VCV002962155.3), dbSNP rs1436983617, ClinGen allele CA361839082.